The following is an entry in ClinVar:

ClinVar aggregate classification (germline): Conflicting classifications of pathogenicity. Review status: criteria provided, conflicting classifications (1 of 4 stars). 6 submissions from 6 submitters: Uncertain significance (4); Likely benign (2). Last evaluated 2026-06-20.

Conditions:
ADGRV1-related disorder. Also called: ADGRV1-related condition; ADGRV1-related disorders.

Allele frequency attached by ClinVar (database versions not stated): gnomAD 0.00010 and 0.00011; ExAC 0.00016; TOPMed 0.00022; gnomAD exomes 0.00023; 1000 Genomes Project 30x 0.00031; 1000 Genomes Project 0.00040.
gnomAD v4.1: 112 of 1,567,928 alleles (0.0071%); highest among the groups gnomAD compares: Admixed American, 0.11%; 2 homozygotes.

Submissions (6):

PreventionGenetics, part of Exact Sciences
Classification: Uncertain significance for ADGRV1-related condition. Last evaluated: 2026-06-20. Review status: criteria provided, single submitter. Criteria: ACMG Guidelines, 2015. Collection method: clinical testing. Allele origin: germline.
Comment: The ADGRV1 c.10768A>T variant is predicted to result in the amino acid substitution p.Ser3590Cys. This variant was reported in an individual with Usher syndrome; however, a second potentially causative variant in the same gene was not identified, and the patient harbored a homozygous MYO7A variant (Bonnet et al. 2016. PubMed ID: 27460420). Additionally, this variant is reported in 0.12% of alleles in individuals of Latino descent in gnomAD, which may be too frequent to be a primary cause of disease. Although we suspect that this variant may be benign, at this time, the clinical significance of this variant is uncertain due to the absence of conclusive functional and genetic evidence.

Labcorp Genetics (formerly Invitae), Labcorp
Classification: Uncertain significance. Last evaluated: 2025-01-23. Review status: criteria provided, single submitter. Criteria: Invitae Variant Classification Sherloc (09022015). Collection method: clinical testing. Allele origin: germline.
Comment: This sequence change replaces serine, which is neutral and polar, with cysteine, which is neutral and slightly polar, at codon 3590 of the ADGRV1 protein (p.Ser3590Cys). This variant is present in population databases (rs183319660, gnomAD 0.1%). This variant has not been reported in the literature in individuals affected with ADGRV1-related conditions. ClinVar contains an entry for this variant (Variation ID: 505525). An algorithm developed to predict the effect of missense changes on protein structure and function (PolyPhen-2) suggests that this variant is likely to be disruptive. Algorithms developed to predict the effect of sequence changes on RNA splicing suggest that this variant may disrupt the consensus splice site. In summary, the available evidence is currently insufficient to determine the role of this variant in disease. Therefore, it has been classified as a Variant of Uncertain Significance.

Blueprint Genetics
Classification: Likely benign. Last evaluated: 2024-11-19. Review status: criteria provided, single submitter. Criteria: ACMG Guidelines, 2015. Collection method: clinical testing. Allele origin: germline.

GeneDx
Classification: Likely benign. Last evaluated: 2020-08-18. Review status: criteria provided, single submitter. Criteria: GeneDx Variant Classification Process June 2021. Collection method: clinical testing. Allele origin: germline. Affected: yes.
Comment: This variant is associated with the following publications: (PMID: 27460420)

ARUP Laboratories, Molecular Genetics and Genomics, ARUP Laboratories
Classification: Uncertain significance. Last evaluated: 2020-05-28. Review status: criteria provided, single submitter. Criteria: ARUP Molecular Germline Variant Investigation Process. Collection method: clinical testing. Allele origin: germline.
Comment: The ADGRV1 c.10768A>T; p.Ser3590Cys variant (rs183319660) is reported in the literature in an individual affected with Usher syndrome who also carried a homozygous MYO7A variant (Bonnet 2016). This variant is reported in ClinVar (Variation ID: 505525), and is found in the Latino population with an allele frequency of 0.12% (38/30556 alleles, including a single homozygote) in the Genome Aggregation Database. The serine at codon 3590 is moderately conserved, and computational analyses (SIFT, PolyPhen-2) predict that this variant is deleterious. Other computational analyses (Alamut v.2.11) predict that this variant may impact splicing by weakening the nearby canonical donor splice site, however without functional studies, the effect on splicing is unknown. Due to limited information, the clinical significance of the p.Ser3590Cys variant is uncertain at this time. References: Bonnet et al. An innovative strategy for the molecular diagnosis of Usher syndrome identifies causal biallelic mutations in 93% of European patients. Eur J Hum Genet. 2016 Dec;24(12):1730-1738.

Laboratory for Molecular Medicine, Mass General Brigham Personalized Medicine
Classification: Uncertain significance. Last evaluated: 2016-12-13. Review status: criteria provided, single submitter. Criteria: LMM Criteria. Collection method: clinical testing. Allele origin: germline. Observed: 1 variant allele.
Comment: The p.Ser3590Cys variant in GPR98 has been previously reported in 1 individual w ith type 1 Usher syndrome explained by a homozygous variant in another gene (Bon net 2016). The p.Ser3590Cys variant has been reported in 0.1% (36/31300) of Lat ino chromosomes by the Genome Aggregation Consortium (gnomAD; dbSNP rs183319660). Computational prediction tools and conserva tion analyses suggest that this variant may impact the protein, though this info rmation is not predictive enough to determine pathogenicity. Furthermore, this variant is located in the last three bases of the exon, which is part of the 5' splice region. Computational tools do not suggest an impact to splicing. However , this information is not predictive enough to rule out pathogenicity. In summar y, the clinical significance of the p.Ser3590Cys variant is uncertain.

Literature cited by the submitters: PubMed 27460420 (cited by Laboratory for Molecular Medicine, Mass General Brigham Personalized Medicine).

NM_032119.4(ADGRV1):c.10768A>T (p.Ser3590Cys)

Gene: ADGRV1 (adhesion G protein-coupled receptor V1; plus strand). Cytogenetic location: 5q14.3.
Variant type: single nucleotide variant.
Coding change: c.10768A>T on transcript NM_032119.4 (MANE Select); coding-DNA position 10768, A replaced by T.
Protein change: p.Ser3590Cys; replaces serine 3590 with cysteine.
Molecular consequence: missense variant. On other transcripts: non-coding transcript variant (1).
Genome position (GRCh38, 1-based): chr5:90,745,264, A>T. VCF-style: chr5-90745264-A-T. GRCh37 (hg19) VCF-style: chr5-90041081-A-T.
Other names: short protein forms S3590C.
Identifiers: ClinVar variation 505525 (VCV000505525.23), dbSNP rs183319660, ClinGen allele CA3340815.